The following is an entry in ClinVar:

NM_000132.4(F8):c.1232A>G (p.Asp411Gly)

Gene: F8 (coagulation factor VIII; minus strand). Cytogenetic location: Xq28.
Variant type: single nucleotide variant.
Coding change: c.1232A>G on transcript NM_000132.4 (MANE Select); coding-DNA position 1232, A replaced by G.
Protein change: p.Asp411Gly; replaces aspartic acid 411 with glycine.
Molecular consequence: missense variant.
Genome position (GRCh38, 1-based): chrX:154,966,465, T>C on the plus strand (A>G on the coding strand, the complement: F8 is on the minus strand). VCF-style: chrX-154966465-T-C. GRCh37 (hg19) VCF-style: chrX-154194740-T-C.
Other names: short protein forms D411G.
Identifiers: ClinVar variation 4081664 (VCV004081664.1).

ClinVar aggregate classification (germline): Likely pathogenic (1 of 4 stars; one submission).

Conditions:
Hereditary factor VIII deficiency disease (HEMA). Also called: HEMOPHILIA, CLASSIC; AUTOSOMAL HEMOPHILIA A; Hemophilia A; Hemophilia A, congenital; HEM A; Factor 8 deficiency, congenital. Identifiers: Orphanet 98878, MedGen C0019069, MONDO:0010602, OMIM 306700.

gnomAD v4.1: 1 of 1,209,539 alleles (0.000083%); highest among the groups gnomAD compares: Non-Finnish European, 0.00011%; no homozygotes.

Submission:

Myriad Genetics, Inc.
Classification: Likely pathogenic for Hereditary factor VIII deficiency disease. Last evaluated: 2025-05-07. Review status: criteria provided, single submitter. Criteria: Myriad Autosomal Dominant, Autosomal Recessive and X-Linked Classification Criteria (2023). Collection method: clinical testing. Allele origin: unknown.
Comment: NM_000132.3(F8):c.1232A>G(D411G) is a missense variant classified as likely pathogenic in the context of hemophilia A. D411G has been observed in cases with relevant disease (PMID: 23913812). Relevant functional assessments of this variant are not available in the literature. D411G has not been observed in referenced population frequency databases. In summary, NM_000132.3(F8):c.1232A>G(D411G) is a missense variant that has been observed more frequently in cases with the relevant disease than in healthy populations. Please note: this variant was assessed in the context of healthy population screening.

Literature cited by the submitters: PubMed 23913812.